The following is an entry in ClinVar:

NM_004826.4(ECEL1):c.1211G>A (p.Arg404His)

Gene: ECEL1 (endothelin converting enzyme like 1; minus strand). Cytogenetic location: 2q37.1.
Variant type: single nucleotide variant.
Coding change: c.1211G>A on transcript NM_004826.4 (MANE Select); coding-DNA position 1211, G replaced by A.
Protein change: p.Arg404His; replaces arginine 404 with histidine.
Molecular consequence: missense variant.
Genome position (GRCh38, 1-based): chr2:232,484,197, C>T on the plus strand (G>A on the coding strand, the complement: ECEL1 is on the minus strand). VCF-style: chr2-232484197-C-T. GRCh37 (hg19) VCF-style: chr2-233348907-C-T.
Other names: c.1211G>A, p.Arg404His (NM_001290787.2); short protein forms R404H.
Identifiers: ClinVar variation 1685757 (VCV001685757.3), dbSNP rs751317107, ClinGen allele CA2167362.

ClinVar aggregate classification (germline): Conflicting classifications of pathogenicity. Review status: criteria provided, conflicting classifications (1 of 4 stars). 2 submissions from 2 submitters: Pathogenic (1); Uncertain significance (1). Last evaluated 2022-05-04.

Conditions:
Distal arthrogryposis type 5D (DA5D). Identifiers: Orphanet 329457, MedGen C3554415, MONDO:0014028, OMIM 615065.

Allele frequency attached by ClinVar (database versions not stated): gnomAD exomes 0.00001; ExAC 0.00002; TOPMed 0.00002.

Submissions (2):

Mendelics
Classification: Pathogenic for Distal arthrogryposis type 5D. Last evaluated: 2022-05-04. Review status: criteria provided, single submitter. Criteria: Mendelics Assertion Criteria 2019. Collection method: clinical testing. Allele origin: germline.

Laboratorio de Genetica e Diagnostico Molecular, Hospital Israelita Albert Einstein
Classification: Uncertain significance. Last evaluated: 2021-05-06. Review status: criteria provided, single submitter. Criteria: ACMG Guidelines, 2015. Collection method: clinical testing. Allele origin: germline. Affected: yes.
Comment: ACMG classification criteria: PM2